The following is an entry in ClinVar:

NM_001399.5(EDA):c.1075A>G (p.Lys359Glu)

Gene: EDA (ectodysplasin A; plus strand). Cytogenetic location: Xq13.1.
Variant type: single nucleotide variant.
Coding change: c.1075A>G on transcript NM_001399.5 (MANE Select); coding-DNA position 1075, A replaced by G.
Protein change: p.Lys359Glu; replaces lysine 359 with glutamic acid.
Molecular consequence: missense variant.
Genome position (GRCh38, 1-based): chrX:70,035,508, A>G. VCF-style: chrX-70035508-A-G. GRCh37 (hg19) VCF-style: chrX-69255358-A-G.
Other names: c.1069A>G, p.Lys357Glu (NM_001005609.2); c.1060A>G, p.Lys354Glu (NM_001005612.3); short protein forms K357E, K359E, K354E.
Identifiers: ClinVar variation 2115353 (VCV002115353.4), dbSNP rs2520347075, ClinGen allele CA413450159.

ClinVar aggregate classification (germline): Uncertain significance (1 of 4 stars; one submission).

Conditions:
Hypohidrotic X-linked ectodermal dysplasia (XHED). Also called: ECTODERMAL DYSPLASIA, HYPOHIDROTIC, 1; CST SYNDROME; Anhidrotic ectodermal dysplasia X-linked; Christ Siemens Touraine syndrome; ECTODERMAL DYSPLASIA 1, HYPOHIDROTIC, X-LINKED; ECTODERMAL DYSPLASIA 1, HYPOHIDROTIC/HAIR/TOOTH TYPE, X-LINKED. Identifiers: Orphanet 181, Orphanet 238468, MedGen C0162359, MONDO:0010585, OMIM 305100.

Submission:

Labcorp Genetics (formerly Invitae), Labcorp
Classification: Uncertain significance for Hypohidrotic X-linked ectodermal dysplasia. Last evaluated: 2022-03-20. Review status: criteria provided, single submitter. Criteria: Invitae Variant Classification Sherloc (09022015). Collection method: clinical testing. Allele origin: germline.
Comment: In summary, the available evidence is currently insufficient to determine the role of this variant in disease. Therefore, it has been classified as a Variant of Uncertain Significance. Advanced modeling of protein sequence and biophysical properties (such as structural, functional, and spatial information, amino acid conservation, physicochemical variation, residue mobility, and thermodynamic stability) performed at Invitae indicates that this missense variant is expected to disrupt EDA protein function. This missense change has been observed in individual(s) with ectodermal dysplasia (Invitae). This variant is not present in population databases (gnomAD no frequency). This sequence change replaces lysine, which is basic and polar, with glutamic acid, which is acidic and polar, at codon 359 of the EDA protein (p.Lys359Glu).